The following is an entry in ClinVar:

NM_001326411.2(PISD):c.186C>G (p.Phe62Leu)

Gene: PISD (phosphatidylserine decarboxylase; minus strand). Cytogenetic location: 22q12.2.
Variant type: single nucleotide variant.
Coding change: c.186C>G on transcript NM_001326411.2 (MANE Select); coding-DNA position 186, C replaced by G.
Protein change: p.Phe62Leu; replaces phenylalanine 62 with leucine.
Molecular consequence: missense variant. On other transcripts: 5 prime UTR variant (6).
Genome position (GRCh38, 1-based): chr22:31,648,236, G>C on the plus strand (C>G on the coding strand, the complement: PISD is on the minus strand). VCF-style: chr22-31648236-G-C. GRCh37 (hg19) VCF-style: chr22-32044222-G-C.
Other names: c.186C>G, p.Phe62Leu (NM_001326412.1, NM_001326421.1); c.-44C>G (NM_001326413.2, NM_001326414.2); c.-337C>G (NM_001326415.2, NM_001326417.2, NM_001326419.2); c.-446C>G (NM_001326416.2); c.6C>G, p.Phe2Leu (NM_001326418.2, NM_001326420.2); short protein forms F62L, F2L.
Identifiers: ClinVar variation 4980786 (VCV004980786.1).

ClinVar aggregate classification (germline): Uncertain significance (1 of 4 stars; one submission).

Conditions:
PISD-related disorder. Also called: PISD-related condition.

gnomAD v4.1: 178 of 1,611,622 alleles (0.011%); highest among the groups gnomAD compares: Non-Finnish European, 0.014%; no homozygotes.

Submission:

PreventionGenetics, part of Exact Sciences
Classification: Uncertain significance for PISD-related condition. Last evaluated: 2024-11-29. Review status: criteria provided, single submitter. Criteria: ACMG Guidelines, 2015. Collection method: clinical testing. Allele origin: germline.
Comment: The PISD c.186C>G variant is predicted to result in the amino acid substitution p.Phe62Leu. To our knowledge, this variant has not been reported in the literature. This variant is reported in 0.0091% of alleles in individuals of European (Non-Finnish) descent in gnomAD. At this time, the clinical significance of this variant is uncertain due to the absence of conclusive functional and genetic evidence.